The following is an entry in ClinVar:

ClinVar aggregate classification (germline): Uncertain significance (1 of 4 stars; one submission).

Allele frequency attached by ClinVar (database versions not stated): gnomAD exomes below 0.00001.
gnomAD v4.1: 1 of 1,613,984 alleles (0.000062%); highest among the groups gnomAD compares: Non-Finnish European, 0.000085%; no homozygotes.

Submission:

Labcorp Genetics (formerly Invitae), Labcorp
Classification: Uncertain significance. Last evaluated: 2022-08-10. Review status: criteria provided, single submitter. Criteria: Invitae Variant Classification Sherloc (09022015). Collection method: clinical testing. Allele origin: germline.
Comment: In summary, the available evidence is currently insufficient to determine the role of this variant in disease. Therefore, it has been classified as a Variant of Uncertain Significance. Advanced modeling of protein sequence and biophysical properties (such as structural, functional, and spatial information, amino acid conservation, physicochemical variation, residue mobility, and thermodynamic stability) performed at Invitae indicates that this missense variant is not expected to disrupt KMT2A protein function. This variant has not been reported in the literature in individuals affected with KMT2A-related conditions. This variant is not present in population databases (gnomAD no frequency). This sequence change replaces methionine, which is neutral and non-polar, with valine, which is neutral and non-polar, at codon 586 of the KMT2A protein (p.Met586Val).

NM_001197104.2(KMT2A):c.1756A>G (p.Met586Val)

Gene: KMT2A (lysine methyltransferase 2A; plus strand). Cytogenetic location: 11q23.3.
Variant type: single nucleotide variant.
Coding change: c.1756A>G on transcript NM_001197104.2 (MANE Select); coding-DNA position 1756, A replaced by G.
Protein change: p.Met586Val; replaces methionine 586 with valine.
Molecular consequence: missense variant.
Genome position (GRCh38, 1-based): chr11:118,472,915, A>G. VCF-style: chr11-118472915-A-G. GRCh37 (hg19) VCF-style: chr11-118343630-A-G.
Other names: c.1855A>G, p.Met619Val (NM_001412597.1); c.1756A>G, p.Met586Val (NM_005933.4); short protein forms M586V, M619V.
Identifiers: ClinVar variation 2013321 (VCV002013321.4), dbSNP rs1949969324, ClinGen allele CA382810923.